The following is an entry in ClinVar:

ClinVar aggregate classification (germline): Uncertain significance (1 of 4 stars; one submission).

Conditions:
Severe myoclonic epilepsy in infancy (DRVT). Also called: Epileptic encephalopathy, early infantile, 6 (Dravet syndrome); Dravet syndrome; SEVERE MYOCLONIC EPILEPSY OF INFANCY; DEVELOPMENTAL AND EPILEPTIC ENCEPHALOPATHY 6A; Severe Myoclonic Epilepsy in Infancy (SMEI). Identifiers: Orphanet 33069, MedGen C0751122, MONDO:0100135, OMIM 607208.

Allele frequency attached by ClinVar (database versions not stated): gnomAD 0.00001; TOPMed 0.00001.
gnomAD v4.1: 24 of 1,608,312 alleles (0.0015%); highest among the groups gnomAD compares: South Asian, 0.0022%; no homozygotes.

Submission:

Labcorp Genetics (formerly Invitae), Labcorp
Classification: Uncertain significance for Severe myoclonic epilepsy in infancy. Last evaluated: 2020-06-03. Review status: criteria provided, single submitter. Criteria: Invitae Variant Classification Sherloc (09022015). Collection method: clinical testing. Allele origin: germline.
Comment: Algorithms developed to predict the effect of missense changes on protein structure and function do not agree on the potential impact of this missense change (SIFT: "Deleterious"; PolyPhen-2: "Benign"; Align-GVGD: "Class C15"). In summary, the available evidence is currently insufficient to determine the role of this variant in disease. Therefore, it has been classified as a Variant of Uncertain Significance. This variant has not been reported in the literature in individuals with SNX27-related disease. This variant is present in population databases (rs779687444, ExAC 0.006%). This sequence change replaces aspartic acid with asparagine at codon 266 of the SNX27 protein (p.Asp266Asn). The aspartic acid residue is highly conserved and there is a small physicochemical difference between aspartic acid and asparagine.

NM_001330723.2(SNX27):c.796G>A (p.Asp266Asn)

Gene: SNX27 (sorting nexin 27; plus strand). Cytogenetic location: 1q21.3.
Variant type: single nucleotide variant.
Coding change: c.796G>A on transcript NM_001330723.2 (MANE Select); coding-DNA position 796, G replaced by A.
Protein change: p.Asp266Asn; replaces aspartic acid 266 with asparagine.
Molecular consequence: missense variant.
Genome position (GRCh38, 1-based): chr1:151,660,857, G>A. VCF-style: chr1-151660857-G-A. GRCh37 (hg19) VCF-style: chr1-151633333-G-A.
Other names: c.796G>A, p.Asp266Asn (NM_030918.6); short protein forms D266N.
Identifiers: ClinVar variation 583190 (VCV000583190.8), dbSNP rs779687444, ClinGen allele CA1093479.